The following is an entry in ClinVar:

ClinVar aggregate classification (germline): Uncertain significance (1 of 4 stars; one submission).

Conditions:
Hereditary sensory and autonomic neuropathy type 6. Also called: Neuropathy, hereditary sensory and autonomic, type VI; HSAN VI. Identifiers: Orphanet 314381, MedGen C3539003, MONDO:0013839, OMIM 614653.
Epidermolysis bullosa simplex 3, localized or generalized intermediate, with BP230 deficiency (EBS3). Also called: Epidermolysis bullosa simplex due to BP230 deficiency; Epidermolysis bullosa simplex, autosomal recessive 2. Identifiers: Orphanet 412181, MedGen C3809470, MONDO:0014180, OMIM 615425.

Submission:

Labcorp Genetics (formerly Invitae), Labcorp
Classification: Uncertain significance for Epidermolysis bullosa simplex 3, localized or generalized intermediate, with BP230 deficiency; Hereditary sensory and autonomic neuropathy type 6. Last evaluated: 2022-07-19. Review status: criteria provided, single submitter. Criteria: Invitae Variant Classification Sherloc (09022015). Collection method: clinical testing. Allele origin: germline.
Comment: This sequence change replaces threonine, which is neutral and polar, with isoleucine, which is neutral and non-polar, at codon 1129 of the DST protein (p.Thr1129Ile). This variant is not present in population databases (gnomAD no frequency). This variant has not been reported in the literature in individuals affected with DST-related conditions. ClinVar contains an entry for this variant (Variation ID: 1359497). Algorithms developed to predict the effect of missense changes on protein structure and function are either unavailable or do not agree on the potential impact of this missense change (SIFT: "Deleterious"; PolyPhen-2: "Probably Damaging"; Align-GVGD: "Class C15"). In summary, the available evidence is currently insufficient to determine the role of this variant in disease. Therefore, it has been classified as a Variant of Uncertain Significance.

NM_001723.7(DST):c.3386C>T (p.Thr1129Ile)

Gene: DST (dystonin; minus strand). Cytogenetic location: 6p12.1.
Variant type: single nucleotide variant.
Coding change: c.3386C>T on transcript NM_001723.7 (MANE Plus Clinical); coding-DNA position 3386, C replaced by T.
Protein change: p.Thr1129Ile; replaces threonine 1129 with isoleucine.
Molecular consequence: missense variant. On other transcripts: intron variant (10).
Genome position (GRCh38, 1-based): chr6:56,620,648, G>A on the plus strand (C>T on the coding strand, the complement: DST is on the minus strand). VCF-style: chr6-56620648-G-A. GRCh37 (hg19) VCF-style: chr6-56485446-G-A.
Other names: c.4830+3882C>T (NM_001144769.5); c.4929+3882C>T (NM_001374722.1, NM_001374736.1); c.4956+3882C>T (NM_001374734.1); c.4416+3882C>T (NM_001144770.2); c.4296+3882C>T (NM_001374730.1, NM_001386100.1, NM_183380.4 and 1 more transcripts); c.3318+3882C>T (NM_015548.5); short protein forms T1129I.
Identifiers: ClinVar variation 1359497 (VCV001359497.3), dbSNP rs2152740212, ClinGen allele CA364572025.